The following is an entry in ClinVar:

NM_152617.4(RNF168):c.1112A>C (p.Glu371Ala)

Gene: RNF168 (ring finger protein 168; minus strand). Cytogenetic location: 3q29.
Variant type: single nucleotide variant.
Coding change: c.1112A>C on transcript NM_152617.4 (MANE Select); coding-DNA position 1112, A replaced by C.
Protein change: p.Glu371Ala; replaces glutamic acid 371 with alanine.
Molecular consequence: missense variant.
Genome position (GRCh38, 1-based): chr3:196,472,423, T>G on the plus strand (A>C on the coding strand, the complement: RNF168 is on the minus strand). VCF-style: chr3-196472423-T-G. GRCh37 (hg19) VCF-style: chr3-196199294-T-G.
Other names: short protein forms E371A.
Identifiers: ClinVar variation 1399440 (VCV001399440.8), dbSNP rs2108644041, ClinGen allele CA355617048.
Genomic context (GRCh38, chr3:196,472,423, plus strand): 5'-TGGTTTTTTCTTTTGGAAATCTCCTTACTGATCAGTAGGCACGACTCTTCATTTTCTGTC[T>G]CACCTGTGTTGTTTCCATTTGTCTGTGTCACCCCTGATGTGGGGGCGCACCCACTTTCTG-3'
Protein context (NP_689830.2, residues 361-381): VTQTNGNNTG[Glu371Ala]TENEESCLLI

ClinVar aggregate classification (germline): Uncertain significance (1 of 4 stars; one submission).

Submission:

Labcorp Genetics (formerly Invitae), Labcorp
Classification: Uncertain significance. Last evaluated: 2024-10-21. Review status: criteria provided, single submitter. Criteria: Invitae Variant Classification Sherloc (09022015). Collection method: clinical testing. Allele origin: germline.
Comment: This sequence change replaces glutamic acid, which is acidic and polar, with alanine, which is neutral and non-polar, at codon 371 of the RNF168 protein (p.Glu371Ala). This variant is not present in population databases (gnomAD no frequency). This variant has not been reported in the literature in individuals affected with RNF168-related conditions. ClinVar contains an entry for this variant (Variation ID: 1399440). An algorithm developed to predict the effect of missense changes on protein structure and function (PolyPhen-2) suggests that this variant is likely to be tolerated. In summary, the available evidence is currently insufficient to determine the role of this variant in disease. Therefore, it has been classified as a Variant of Uncertain Significance.